The following is an entry in ClinVar:

ClinVar aggregate classification (germline): Uncertain significance (1 of 4 stars; one submission).

Conditions:
Cardiovascular phenotype. Identifiers: MedGen CN230736.

Allele frequency attached by ClinVar (database versions not stated): TOPMed below 0.00001; gnomAD exomes 0.00001; ExAC 0.00004.
gnomAD v4.1: 9 of 1,580,512 alleles (0.00057%); highest among the groups gnomAD compares: Non-Finnish European, 0.00077%; no homozygotes.

Submission:

Ambry Genetics
Classification: Uncertain significance for Cardiovascular phenotype. Last evaluated: 2022-07-10. Review status: criteria provided, single submitter. Criteria: Ambry Variant Classification Scheme 2023. Collection method: clinical testing. Allele origin: germline.
Comment: The p.D354G variant (also known as c.1061A>G), located in coding exon 2 of the TNXB gene, results from an A to G substitution at nucleotide position 1061. The aspartic acid at codon 354 is replaced by glycine, an amino acid with similar properties. This amino acid position is conserved. In addition, this alteration is predicted to be tolerated by in silico analysis. Since supporting evidence is limited at this time, the clinical significance of this alteration remains unclear.

NM_001365276.2(TNXB):c.1061A>G (p.Asp354Gly)

Gene: TNXB (tenascin XB; minus strand). Cytogenetic location: 6p21.33.
Variant type: single nucleotide variant.
Coding change: c.1061A>G on transcript NM_001365276.2 (MANE Select); coding-DNA position 1061, A replaced by G.
Protein change: p.Asp354Gly; replaces aspartic acid 354 with glycine.
Molecular consequence: missense variant.
Genome position (GRCh38, 1-based): chr6:32,096,792, T>C on the plus strand (A>G on the coding strand, the complement: TNXB is on the minus strand). VCF-style: chr6-32096792-T-C. GRCh37 (hg19) VCF-style: chr6-32064569-T-C.
Other names: c.1061A>G, p.Asp354Gly (NM_019105.8); short protein forms D354G.
Identifiers: ClinVar variation 1780311 (VCV001780311.2), dbSNP rs776294211, ClinGen allele CA3735738.